The following is an entry in ClinVar:

NM_016213.5(TRIP4):c.625A>C (p.Thr209Pro)

Gene: TRIP4 (thyroid hormone receptor interactor 4; plus strand). Cytogenetic location: 15q22.31.
Variant type: single nucleotide variant.
Coding change: c.625A>C on transcript NM_016213.5 (MANE Select); coding-DNA position 625, A replaced by C.
Protein change: p.Thr209Pro; replaces threonine 209 with proline.
Molecular consequence: missense variant. On other transcripts: 5 prime UTR variant (1), non-coding transcript variant (1).
Genome position (GRCh38, 1-based): chr15:64,400,749, A>C. VCF-style: chr15-64400749-A-C. GRCh37 (hg19) VCF-style: chr15-64692948-A-C.
Other names: c.-66A>C (NM_001321924.2); short protein forms T209P.
Identifiers: ClinVar variation 1916062 (VCV001916062.2), dbSNP rs897076408, ClinGen allele CA392819575.

ClinVar aggregate classification (germline): Uncertain significance (1 of 4 stars; one submission).

Submission:

Labcorp Genetics (formerly Invitae), Labcorp
Classification: Uncertain significance. Last evaluated: 2022-08-05. Review status: criteria provided, single submitter. Criteria: Invitae Variant Classification Sherloc (09022015). Collection method: clinical testing. Allele origin: germline.
Comment: This sequence change replaces threonine, which is neutral and polar, with proline, which is neutral and non-polar, at codon 209 of the TRIP4 protein (p.Thr209Pro). This variant is not present in population databases (gnomAD no frequency). This variant has not been reported in the literature in individuals affected with TRIP4-related conditions. Algorithms developed to predict the effect of missense changes on protein structure and function (SIFT, PolyPhen-2, Align-GVGD) all suggest that this variant is likely to be disruptive. In summary, the available evidence is currently insufficient to determine the role of this variant in disease. Therefore, it has been classified as a Variant of Uncertain Significance.